The following is an entry in ClinVar:

NM_004333.6(BRAF):c.2276G>C (p.Gly759Ala)

Gene: BRAF (B-Raf proto-oncogene, serine/threonine kinase; minus strand). Cytogenetic location: 7q34.
Variant type: single nucleotide variant.
Coding change: c.2276G>C on transcript NM_004333.6 (MANE Select); coding-DNA position 2276, G replaced by C.
Protein change: p.Gly759Ala; replaces glycine 759 with alanine.
Molecular consequence: missense variant. On other transcripts: intron variant (2).
Genome position (GRCh38, 1-based): chr7:140,734,622, C>G on the plus strand (G>C on the coding strand, the complement: BRAF is on the minus strand). VCF-style: chr7-140734622-C-G. GRCh37 (hg19) VCF-style: chr7-140434422-C-G.
Other names: c.2127+5190G>C (NM_001378474.1, NM_001378468.1); c.2396G>C, p.Gly799Ala (NM_001374244.1, NM_001374258.1); c.2285G>C, p.Gly762Ala (NM_001378467.1); c.2210G>C, p.Gly737Ala (NM_001378469.1); c.2174G>C, p.Gly725Ala (NM_001378470.1); c.2165G>C, p.Gly722Ala (NM_001378471.1); c.2120G>C, p.Gly707Ala (NM_001378472.1, NM_001378473.1); c.2012G>C, p.Gly671Ala (NM_001378475.1); and 1 more; short protein forms G671A, G722A, G725A, G737A, G762A, G799A, G707A, G759A.
Identifiers: ClinVar variation 3636769 (VCV003636769.2).
Genomic context (GRCh38, chr7:140,734,622, plus strand): 5'-GTTGCTACTCTCCTGAACTCTCTCACTCATTTGTTTCAGTGGACAGGAAACGCACCATAT[C>G]CCCCTGCCTGGATGGGTGTTTTTGGAGAAGCACAAGCATATAGACTAAAATCCTCTGTTT-3'
Protein context (NP_004324.2, residues 749-766): ASPKTPIQAG[Gly759Ala]YGAFPVH

ClinVar aggregate classification (germline): Uncertain significance (1 of 4 stars; one submission).

Conditions:
RASopathy. Also called: Noonan spectrum disorder; rasopathies. Identifiers: Orphanet 536391, MedGen C5555857, MONDO:0021060.

Submission:

Labcorp Genetics (formerly Invitae), Labcorp
Classification: Uncertain significance for RASopathy. Last evaluated: 2024-11-10. Review status: criteria provided, single submitter. Criteria: Invitae Variant Classification Sherloc (09022015). Collection method: clinical testing. Allele origin: germline.
Comment: This sequence change replaces glycine, which is neutral and non-polar, with alanine, which is neutral and non-polar, at codon 759 of the BRAF protein (p.Gly759Ala). This variant is not present in population databases (gnomAD no frequency). This variant has not been reported in the literature in individuals affected with BRAF-related conditions. Invitae Evidence Modeling of protein sequence and biophysical properties (such as structural, functional, and spatial information, amino acid conservation, physicochemical variation, residue mobility, and thermodynamic stability) indicates that this missense variant is not expected to disrupt BRAF protein function with a negative predictive value of 95%. In summary, the available evidence is currently insufficient to determine the role of this variant in disease. Therefore, it has been classified as a Variant of Uncertain Significance.